The following is an entry in ClinVar:

NM_021096.4(CACNA1I):c.962G>T (p.Arg321Leu)

Gene: CACNA1I (calcium voltage-gated channel subunit alpha1 I; plus strand). Cytogenetic location: 22q13.1.
Variant type: single nucleotide variant.
Coding change: c.962G>T on transcript NM_021096.4 (MANE Select); coding-DNA position 962, G replaced by T.
Protein change: p.Arg321Leu; replaces arginine 321 with leucine.
Molecular consequence: missense variant.
Genome position (GRCh38, 1-based): chr22:39,641,088, G>T. VCF-style: chr22-39641088-G-T. GRCh37 (hg19) VCF-style: chr22-40037093-G-T.
Other names: c.962G>T, p.Arg321Leu (NM_001003406.2); short protein forms R321L.
Identifiers: ClinVar variation 3371619 (VCV003371619.1).
Genomic context (GRCh38, chr22:39,641,088, plus strand): 5'-ACGACTTTGGGGCGGGGCGCCAGGACCTCAATGCCAGCGGCCTCTGTGTCAACTGGAACC[G>T]TTACTACAATGTGTGCCGCACGGGCAGCGCCAACCCCCACAAGGGTGCCATCAACTTTGA-3'
Protein context (NP_066919.2, residues 311-331): NASGLCVNWN[Arg321Leu]YYNVCRTGSA

ClinVar aggregate classification (germline): Uncertain significance (1 of 4 stars; one submission).

gnomAD v4.1: 1 of 1,614,036 alleles (0.000062%); highest among the groups gnomAD compares: Non-Finnish European, 0.000085%; no homozygotes.

Submission:

GeneDx
Classification: Uncertain significance. Last evaluated: 2024-04-02. Review status: criteria provided, single submitter. Criteria: GeneDx Variant Classification Process June 2021. Collection method: clinical testing. Allele origin: germline. Affected: yes.
Comment: Not observed at significant frequency in large population cohorts (gnomAD); In silico analysis supports that this missense variant has a deleterious effect on protein structure/function; Has not been previously published as pathogenic or benign to our knowledge